The following is an entry in ClinVar:

ClinVar aggregate classification (germline): Uncertain significance (1 of 4 stars; one submission).

gnomAD v4.1: 1 of 1,614,156 alleles (0.000062%); highest among the groups gnomAD compares: South Asian, 0.0011%; no homozygotes.

Submission:

Ambry Genetics
Classification: Uncertain significance. Last evaluated: 2026-04-19. Review status: criteria provided, single submitter. Criteria: Ambry Variant Classification Scheme 2023. Collection method: clinical testing. Allele origin: germline.
Comment: The p.Y1687H variant (also known as c.5059T>C), located in coding exon 44 of the KIF1B gene, results from a T to C substitution at nucleotide position 5059. The tyrosine at codon 1687 is replaced by histidine, an amino acid with similar properties. This amino acid position is conserved. In addition, the in silico prediction for this alteration is inconclusive. Based on the available evidence, the clinical significance of this variant remains unclear.

NM_001365951.3(KIF1B):c.5197T>C (p.Tyr1733His)

Gene: KIF1B (kinesin family member 1B; plus strand). Cytogenetic location: 1p36.22.
Variant type: single nucleotide variant.
Coding change: c.5197T>C on transcript NM_001365951.3 (MANE Select); coding-DNA position 5197, T replaced by C.
Protein change: p.Tyr1733His; replaces tyrosine 1733 with histidine.
Molecular consequence: missense variant.
Genome position (GRCh38, 1-based): chr1:10,374,954, T>C. VCF-style: chr1-10374954-T-C. GRCh37 (hg19) VCF-style: chr1-10435012-T-C.
Other names: c.5197T>C, p.Tyr1733His (NM_001365952.1); c.5059T>C, p.Tyr1687His (NM_015074.3); short protein forms Y1687H, Y1733H.
Identifiers: ClinVar variation 4858839 (VCV004858839.1).
Genomic context (GRCh38, chr1:10,374,954, plus strand): 5'-CCTCTTTACAGTAACTGGGCTAAACATTTTGTTGTCGTCCGTCGGCCTTATGTCTTCATC[T>C]ATAACAGTGACAAAGACCCTGTGGAGCGTGGAATCATTAACCTGTCCACAGCACAGGTGG-3'
Protein context (NP_001352880.1, residues 1723-1743): VVVRRPYVFI[Tyr1733His]NSDKDPVERG